The following is an entry in ClinVar:

NM_206937.2(LIG4):c.1208T>C (p.Val403Ala)

Gene: LIG4 (DNA ligase 4; minus strand). Cytogenetic location: 13q33.3.
Variant type: single nucleotide variant.
Coding change: c.1208T>C on transcript NM_206937.2 (MANE Select); coding-DNA position 1208, T replaced by C.
Protein change: p.Val403Ala; replaces valine 403 with alanine.
Molecular consequence: missense variant.
Genome position (GRCh38, 1-based): chr13:108,210,061, A>G on the plus strand (T>C on the coding strand, the complement: LIG4 is on the minus strand). VCF-style: chr13-108210061-A-G. GRCh37 (hg19) VCF-style: chr13-108862409-A-G.
Other names: c.1208T>C, p.Val403Ala (NM_001098268.2, NM_001352598.2, NM_001352599.2 and 6 more transcripts); c.1007T>C, p.Val336Ala (NM_001330595.2); c.1244T>C, p.Val415Ala (NM_001352604.2); short protein forms V415A, V336A, V403A.
Identifiers: ClinVar variation 1395016 (VCV001395016.6), dbSNP rs779305286, ClinGen allele CA7043732.
Genomic context (GRCh38, chr13:108,210,061, plus strand): 5'-TCTATTGCTTCATTCAATGCATCAATTACTTCATTCTTAGTATGAGCTTGTGTTTTCTGC[A>G]CTATTTCTATTCTACCTGGAATTGGTGTAAAAATACTACTAAGAATCTCATACCTCTTTC-3'
Protein context (NP_996820.1, residues 393-413): FTPIPGRIEI[Val403Ala]QKTQAHTKNE

ClinVar aggregate classification (germline): Uncertain significance (1 of 4 stars; one submission).

Conditions:
DNA ligase IV deficiency. Identifiers: Orphanet 99812, MedGen C1847827, MONDO:0011686, OMIM 606593.

Allele frequency attached by ClinVar (database versions not stated): TOPMed 0.00002; ExAC 0.00003; gnomAD 0.00003 and 0.00004; gnomAD exomes 0.00004 and 0.00009.

Submission:

Labcorp Genetics (formerly Invitae), Labcorp
Classification: Uncertain significance for DNA ligase IV deficiency. Last evaluated: 2024-01-08. Review status: criteria provided, single submitter. Criteria: Invitae Variant Classification Sherloc (09022015). Collection method: clinical testing. Allele origin: germline.
Comment: This sequence change replaces valine, which is neutral and non-polar, with alanine, which is neutral and non-polar, at codon 403 of the LIG4 protein (p.Val403Ala). This variant is present in population databases (rs779305286, gnomAD 0.009%). This variant has not been reported in the literature in individuals affected with LIG4-related conditions. ClinVar contains an entry for this variant (Variation ID: 1395016). Advanced modeling of protein sequence and biophysical properties (such as structural, functional, and spatial information, amino acid conservation, physicochemical variation, residue mobility, and thermodynamic stability) has been performed at Invitae for this missense variant, however the output from this modeling did not meet the statistical confidence thresholds required to predict the impact of this variant on LIG4 protein function. In summary, the available evidence is currently insufficient to determine the role of this variant in disease. Therefore, it has been classified as a Variant of Uncertain Significance.